The following is an entry in ClinVar:

ClinVar aggregate classification (germline): Likely benign. Review status: criteria provided, single submitter (1 of 4 stars). 2 submissions from 2 submitters: Likely benign (1). 1 of the submissions does not count toward it. Last evaluated 2024-01-06.

Conditions:
ACE-related disorder. Also called: ACE-related disorders; ACE-related condition.

Allele frequency attached by ClinVar (database versions not stated): gnomAD exomes below 0.00001; TOPMed below 0.00001; gnomAD 0.00001.
gnomAD v4.1: 3 of 1,613,808 alleles (0.00019%); highest among the groups gnomAD compares: Admixed American, 0.0017%; no homozygotes.

Submissions (2):

Labcorp Genetics (formerly Invitae), Labcorp
Classification: Likely benign. Last evaluated: 2024-01-06. Review status: criteria provided, single submitter. Criteria: Invitae Variant Classification Sherloc (09022015). Collection method: clinical testing. Allele origin: germline.

PreventionGenetics, part of Exact Sciences
Classification: Likely benign for ACE-related condition. Last evaluated: 2019-12-06. Review status: no assertion criteria provided. Collection method: clinical testing. Allele origin: germline. Not counted in ClinVar's aggregate classification.
Comment: This variant is classified as likely benign based on ACMG/AMP sequence variant interpretation guidelines (Richards et al. 2015 PMID: 25741868, with internal and published modifications).

NM_000789.4(ACE):c.2740-8G>A

Gene: ACE (angiotensin I converting enzyme; plus strand). Cytogenetic location: 17q23.3.
Variant type: single nucleotide variant.
Coding change: c.2740-8G>A on transcript NM_000789.4 (MANE Select); 8 bases into the intron before coding-DNA position 2740, G replaced by A.
Molecular consequence: intron variant.
Genome position (GRCh38, 1-based): chr17:63,491,201, G>A. VCF-style: chr17-63491201-G-A. GRCh37 (hg19) VCF-style: chr17-61568562-G-A.
Other names: c.1888-8G>A (NM_001382701.1); c.2173-8G>A (NM_001382700.1); c.1018-8G>A (NM_152830.3, NM_001178057.2); c.478-8G>A (NM_001382702.1); c.2740-8G>A (NM_000789.3).
Identifiers: ClinVar variation 2900936 (VCV002900936.5), dbSNP rs1056500594, ClinGen allele CA292885805.
Genomic context (GRCh38, chr17:63,491,201, plus strand): 5'-GATCCCCACGGCAGCACGCAGTCTGTCCCCGGAACCCCCAGTTTGGGCAGAACTCCCTCT[G>A]CTTGCAGGGCTGGACGCCCAGGAGGATGTTTAAGGAGGCTGATGATTTCTTCACCTCCCT-3'